The following is an entry in ClinVar:

NM_001122955.4(BSCL2):c.785C>T (p.Ala262Val)

Genes: HNRNPUL2-BSCL2 (HNRNPUL2-BSCL2 readthrough (NMD candidate); minus strand), BSCL2 (BSCL2 lipid droplet biogenesis associated, seipin; minus strand). Cytogenetic location: 11q12.3.
Variant type: single nucleotide variant.
Coding change: c.785C>T on transcript NM_001122955.4 (MANE Select); coding-DNA position 785, C replaced by T.
Protein change: p.Ala262Val; replaces alanine 262 with valine.
Molecular consequence: missense variant. On other transcripts: non-coding transcript variant (1).
Genome position (GRCh38, 1-based): chr11:62,692,454, G>A on the plus strand (C>T on the coding strand, the complement: BSCL2 is on the minus strand). VCF-style: chr11-62692454-G-A. GRCh37 (hg19) VCF-style: chr11-62459926-G-A.
Other names: c.593C>T, p.Ala198Val (NM_001130702.2, NM_032667.6); c.785C>T, p.Ala262Val (NM_001386027.1, NM_001386028.1); short protein forms A198V, A262V.
Identifiers: ClinVar variation 1023291 (VCV001023291.8), dbSNP rs140896339, ClinGen allele CA6053453.

ClinVar aggregate classification (germline): Conflicting classifications of pathogenicity. Review status: criteria provided, conflicting classifications (1 of 4 stars). 3 submissions from 3 submitters: Uncertain significance (2); Likely benign (1). Last evaluated 2025-03-09.

Conditions:
Charcot-Marie-Tooth disease type 2. Also called: Charcot-Marie-Tooth type 2. Identifiers: Orphanet 64746, MedGen C0270914, MONDO:0018993.
Inborn genetic diseases. Identifiers: MedGen C0950123, MeSH D030342.

Allele frequency attached by ClinVar (database versions not stated): TOPMed 0.00017; gnomAD 0.00019 and 0.00017; gnomAD exomes 0.00006 and 0.00005; ExAC 0.00007; ESP Exome Variant Server 0.00038.
gnomAD v4.1: 98 of 1,613,854 alleles (0.0061%); highest among the groups gnomAD compares: African/African-American, 0.053%; no homozygotes.

Submissions (3):

Labcorp Genetics (formerly Invitae), Labcorp
Classification: Uncertain significance for Charcot-Marie-Tooth disease type 2. Last evaluated: 2025-03-09. Review status: criteria provided, single submitter. Criteria: Invitae Variant Classification Sherloc (09022015). Collection method: clinical testing. Allele origin: germline.
Comment: This sequence change replaces alanine, which is neutral and non-polar, with valine, which is neutral and non-polar, at codon 198 of the BSCL2 protein (p.Ala198Val). This variant is present in population databases (rs140896339, gnomAD 0.05%). This missense change has been observed in individual(s) with amyotrophic lateral sclerosis (PMID: 32397312). This variant is also known as c.785C > T, p.Ala262Val. ClinVar contains an entry for this variant (Variation ID: 1023291). Invitae Evidence Modeling of protein sequence and biophysical properties (such as structural, functional, and spatial information, amino acid conservation, physicochemical variation, residue mobility, and thermodynamic stability) indicates that this missense variant is not expected to disrupt BSCL2 protein function with a negative predictive value of 80%. In summary, the available evidence is currently insufficient to determine the role of this variant in disease. Therefore, it has been classified as a Variant of Uncertain Significance.

GeneDx
Classification: Uncertain significance. Last evaluated: 2024-09-04. Review status: criteria provided, single submitter. Criteria: GeneDx Variant Classification Process June 2021. Collection method: clinical testing. Allele origin: germline. Affected: yes.
Comment: Reported heterozygous and as a variant of uncertain significance in an individual with amyotrophic lateral sclerosis (ALS), who also harbored variants in additional genes associated with that phenotype (PMID: 32397312); In silico analysis indicates that this missense variant does not alter protein structure/function; This variant is associated with the following publications: (PMID: 32397312)

Ambry Genetics
Classification: Likely benign for Inborn genetic diseases. Last evaluated: 2022-06-09. Review status: criteria provided, single submitter. Criteria: Ambry Variant Classification Scheme 2023. Collection method: clinical testing. Allele origin: germline.

Literature cited by the submitters: PubMed 32397312 (cited by Labcorp Genetics (formerly Invitae), Labcorp).